The following is an entry in ClinVar:

ClinVar aggregate classification (germline): Uncertain significance (1 of 4 stars; one submission).

Submission:

Dasa
Classification: Uncertain significance. Last evaluated: 2026-08-05. Review status: criteria provided, single submitter. Criteria: DASA Assertion Criteria. Collection method: clinical testing. Allele origin: germline.
Comment: NM_001370658.1(BTD):c.1427T>C (p.Phe476Ser) is a missense variant that results in the substitution of phenylalanine with serine. This variant has been observed in affected individuals with BTD-related disorders. Also, this variant is absent from population databases. Computational prediction algorithms are consistent with a deleterious effect. The currently available literature and clinical evidence are not sufficient to establish a definitive association between this variant and the reported condition. Therefore, this variant is classified as a variant of uncertain significance.

NM_001370658.1(BTD):c.1427T>C (p.Phe476Ser)

Gene: BTD (biotinidase; plus strand). Cytogenetic location: 3p25.1.
Variant type: single nucleotide variant.
Coding change: c.1427T>C on transcript NM_001370658.1 (MANE Select); coding-DNA position 1427, T replaced by C.
Protein change: p.Phe476Ser; replaces phenylalanine 476 with serine.
Molecular consequence: missense variant. On other transcripts: intron variant (2).
Genome position (GRCh38, 1-based): chr3:15,645,343, T>C. VCF-style: chr3-15645343-T-C. GRCh37 (hg19) VCF-style: chr3-15686850-T-C.
Other names: c.1427T>C, p.Phe476Ser (NM_001407368.1, NM_001407369.1, NM_001407370.1 and 16 more transcripts); c.1015+412T>C (NM_001370752.1); c.399+3286T>C (NM_001370753.1); c.1487T>C, p.Phe496Ser (NM_000060.4); short protein forms F476S.
Identifiers: ClinVar variation 5020600 (VCV005020600.1), dbSNP rs886058117.